The following is an entry in ClinVar:

ClinVar aggregate classification (germline): Uncertain significance (1 of 4 stars; one submission).

Conditions:
Ehlers-Danlos syndrome, kyphoscoliotic type 1 (EDSKSCL1). Also called: EHLERS-DANLOS SYNDROME, OCULAR-SCOLIOTIC TYPE; PLOD1-Related Kyphoscoliotic Ehlers-Danlos Syndrome; Ehlers-Danlos syndrome, hydroxylysine-deficient; EHLERS-DANLOS SYNDROME, TYPE VIA. Identifiers: Orphanet 1900, MedGen C0268342, MONDO:0016002, OMIM 225400. Disease mechanism: loss of function.

Submission:

Labcorp Genetics (formerly Invitae), Labcorp
Classification: Uncertain significance for Ehlers-Danlos syndrome, kyphoscoliotic type 1. Last evaluated: 2022-11-01. Review status: criteria provided, single submitter. Criteria: Invitae Variant Classification Sherloc (09022015). Collection method: clinical testing. Allele origin: germline.
Comment: Advanced modeling of protein sequence and biophysical properties (such as structural, functional, and spatial information, amino acid conservation, physicochemical variation, residue mobility, and thermodynamic stability) performed at Invitae indicates that this missense variant is not expected to disrupt PLOD1 protein function. This sequence change replaces glutamic acid, which is acidic and polar, with lysine, which is basic and polar, at codon 568 of the PLOD1 protein (p.Glu568Lys). This variant is present in population databases (no rsID available, gnomAD 0.003%). This variant has not been reported in the literature in individuals affected with PLOD1-related conditions. ClinVar contains an entry for this variant (Variation ID: 1504813). In summary, the available evidence is currently insufficient to determine the role of this variant in disease. Therefore, it has been classified as a Variant of Uncertain Significance.

NM_000302.4(PLOD1):c.1702G>A (p.Glu568Lys)

Gene: PLOD1 (procollagen-lysine,2-oxoglutarate 5-dioxygenase 1; plus strand). Cytogenetic location: 1p36.22.
Variant type: single nucleotide variant.
Coding change: c.1702G>A on transcript NM_000302.4 (MANE Select); coding-DNA position 1702, G replaced by A.
Protein change: p.Glu568Lys; replaces glutamic acid 568 with lysine.
Molecular consequence: missense variant.
Genome position (GRCh38, 1-based): chr1:11,967,038, G>A. VCF-style: chr1-11967038-G-A. GRCh37 (hg19) VCF-style: chr1-12027095-G-A.
Other names: c.1843G>A, p.Glu615Lys (NM_001316320.2); short protein forms E568K, E615K.
Identifiers: ClinVar variation 1504813 (VCV001504813.10), dbSNP rs761949919, ClinGen allele CA338447621.
Genomic context (GRCh38, chr1:11,967,038, plus strand): 5'-CCTCCCCAGCCCTGCCCGGATGTCTATTGGTTCCCCATCTTCACGGAGGTGGCCTGTGAT[G>A]AGCTGGTGGAGGAGATGGAGCACTTTGGCCAGTGGTCTCTGGGCAACAACAAGGTGGGAC-3'
Protein context (NP_000293.2, residues 558-578): FPIFTEVACD[Glu568Lys]LVEEMEHFGQ